The following is an entry in ClinVar:

NM_000059.4(BRCA2):c.6328G>A (p.Asp2110Asn)

Gene: BRCA2 (BRCA2 DNA repair associated; plus strand). Cytogenetic location: 13q13.1.
Variant type: single nucleotide variant.
Coding change: c.6328G>A on transcript NM_000059.4 (MANE Select); coding-DNA position 6328, G replaced by A.
Protein change: p.Asp2110Asn; replaces aspartic acid 2110 with asparagine.
Molecular consequence: missense variant. On other transcripts: non-coding transcript variant (1), intron variant (2).
Genome position (GRCh38, 1-based): chr13:32,340,683, G>A. VCF-style: chr13-32340683-G-A. GRCh37 (hg19) VCF-style: chr13-32914820-G-A.
Other names: c.6328G>A, p.Asp2110Asn (NM_001406719.1, NM_001406720.1); c.1910-3875G>A (NM_001406721.1); c.425-3875G>A (NM_001406722.1); short protein forms D2110N.
Identifiers: ClinVar variation 2451557 (VCV002451557.4), dbSNP rs1593908267, ClinGen allele CA387789074.

ClinVar aggregate classification (germline): Uncertain significance. Review status: criteria provided, multiple submitters, no conflicts (2 of 4 stars). 2 submissions from 2 submitters: Uncertain significance (2). Last evaluated 2024-12-17.

Conditions:
Hereditary breast ovarian cancer syndrome. Also called: Hereditary breast and/or ovarian cancer syndrome; BRCA1- and BRCA2-Associated Hereditary Breast and Ovarian Cancer; Hereditary breast and ovarian cancer syndrome; Hereditary breast and ovarian cancer; Hereditary breast and ovarian cancer syndrome (HBOC); Breast and ovarian cancer. Identifiers: Orphanet 145, MedGen C0677776, MeSH D061325, MONDO:0003582. Disease mechanism: loss of function.
Hereditary cancer-predisposing syndrome. Also called: Neoplastic Syndromes, Hereditary; Tumor predisposition; Hereditary neoplastic syndrome; Hereditary Cancer Syndrome. Identifiers: Orphanet 140162, MedGen C0027672, MeSH D009386, MONDO:0015356.

Allele frequency attached by ClinVar (database versions not stated): gnomAD exomes below 0.00001.
gnomAD v4.1: 2 of 1,608,838 alleles (0.00012%); highest among the groups gnomAD compares: Non-Finnish European, 0.00017%; no homozygotes.

Submissions (2):

Labcorp Genetics (formerly Invitae), Labcorp
Classification: Uncertain significance for Hereditary breast ovarian cancer syndrome. Last evaluated: 2024-12-17. Review status: criteria provided, single submitter. Criteria: Invitae Variant Classification Sherloc (09022015). Collection method: clinical testing. Allele origin: germline.
Comment: This sequence change replaces aspartic acid, which is acidic and polar, with asparagine, which is neutral and polar, at codon 2110 of the BRCA2 protein (p.Asp2110Asn). This variant is not present in population databases (gnomAD no frequency). This variant has not been reported in the literature in individuals affected with BRCA2-related conditions. ClinVar contains an entry for this variant (Variation ID: 2451557). Invitae Evidence Modeling of protein sequence and biophysical properties (such as structural, functional, and spatial information, amino acid conservation, physicochemical variation, residue mobility, and thermodynamic stability) indicates that this missense variant is not expected to disrupt BRCA2 protein function with a negative predictive value of 95%. In summary, the available evidence is currently insufficient to determine the role of this variant in disease. Therefore, it has been classified as a Variant of Uncertain Significance.

Ambry Genetics
Classification: Uncertain significance for Hereditary cancer-predisposing syndrome. Last evaluated: 2023-02-05. Review status: criteria provided, single submitter. Criteria: Ambry Variant Classification Scheme 2023. Collection method: clinical testing. Allele origin: germline.
Comment: The p.D2110N variant (also known as c.6328G>A), located in coding exon 10 of the BRCA2 gene, results from a G to A substitution at nucleotide position 6328. The aspartic acid at codon 2110 is replaced by asparagine, an amino acid with highly similar properties. This amino acid position is conserved. In addition, this alteration is predicted to be tolerated by in silico analysis. Since supporting evidence is limited at this time, the clinical significance of this alteration remains unclear.